The following is an entry in ClinVar:

ClinVar aggregate classification (germline): Uncertain significance (1 of 4 stars; one submission).

Conditions:
Intellectual disability, X-linked, with or without seizures, ARX-related. Also called: Mental retardation, X-linked 52; INTELLECTUAL DEVELOPMENTAL DISORDER, X-LINKED 29; MENTAL RETARDATION, X-LINKED 29; MENTAL RETARDATION, X-LINKED 32; MENTAL RETARDATION, X-LINKED 33; MENTAL RETARDATION, X-LINKED 38. Identifiers: Orphanet 777, MedGen C0796244, MONDO:0010317, OMIM 300419.

Submission:

Myriad Genetics, Inc.
Classification: Uncertain significance for Intellectual disability, X-linked, with or without seizures, ARX-related. Last evaluated: 2025-09-22. Review status: criteria provided, single submitter. Criteria: Myriad Autosomal Dominant, Autosomal Recessive and X-Linked Classification Criteria (2023). Collection method: clinical testing. Allele origin: unknown.
Comment: NM_139058.2(ARX):c.743_766dup24(E248_D255dup) is an in-frame insertion classified as a variant of uncertain significance in the context of ARX-related disorders. E248_D255dup has not been observed in cases with relevant disease. Relevant functional assessments of this variant are not available in the literature. E248_D255dup has not been observed in referenced population frequency databases. In summary, there is insufficient evidence to classify NM_139058.2(ARX):c.743_766dup24(E248_D255dup) as pathogenic or benign. Please note: this variant was assessed in the context of healthy population screening.

NM_139058.3(ARX):c.743_766dup (p.Asp255_Ala256insGluGluGluLeuLeuGluAspAsp)

Gene: ARX (aristaless related homeobox; minus strand). Cytogenetic location: Xp21.3.
Variant type: Duplication.
Coding change: c.743_766dup on transcript NM_139058.3 (MANE Select); coding-DNA positions 743 to 766, 24 bases duplicated (AGGAGGAGCTGCTGGAGGACGACG).
Protein change: p.Asp255_Ala256insGluGluGluLeuLeuGluAspAsp.
Molecular consequence: inframe insertion.
Genome position (GRCh38, 1-based): chrX:25,013,229-25,013,252, CGTCGTCCTCCAGCAGCTCCTCCT duplicated on the plus strand (AGGAGGAGCTGCTGGAGGACGACG on the coding strand, the reverse complement: ARX is on the minus strand); duplicating any 24 consecutive bases within chrX:25,013,229-25,013,268 gives the same sequence; the c. name uses the placement nearest the transcript's 3' end. VCF-style (leftmost placement, unchanged base first): chrX-25013228-G-GCGTCGTCCTCCAGCAGCTCCTCCT. GRCh37 (hg19) VCF-style: chrX-25031345-G-GCGTCGTCCTCCAGCAGCTCCTCCT.
Identifiers: ClinVar variation 5004179 (VCV005004179.1).